The following is an entry in ClinVar:

NM_001142800.2(EYS):c.4077del (p.Gln1360fs)

Gene: EYS (EGF-like photoreceptor maintenance factor; minus strand). Cytogenetic location: 6q12.
Variant type: Deletion.
Coding change: c.4077del on transcript NM_001142800.2 (MANE Select); coding-DNA position 4077, one base deleted (A; older notation c.4077delA).
Protein change: p.Gln1360fs; shifts the reading frame from glutamine 1360.
Molecular consequence: frameshift variant.
Genome position (GRCh38, 1-based): chr6:64,591,790, T deleted on the plus strand (A on the coding strand, the reverse complement: EYS is on the minus strand). VCF-style (leftmost placement, unchanged base first): chr6-64591789-GT-G. GRCh37 (hg19) VCF-style: chr6-65301682-GT-G.
Other names: c.4077del, p.Gln1360fs (NM_001292009.2); short protein forms Q1360fs.
Identifiers: ClinVar variation 2851215 (VCV002851215.3), dbSNP rs2533155158, ClinGen allele CA2739273171.
Genomic context (GRCh38, chr6:64,591,789, plus strand): 5'-GTGTGGCTGCTGAAGTTCGAATAGGCATATGTGATACCGATGTTTTGTCCTGGACAATTT[GT>G]GCTGGGTCACGAATACCAAAATTCAGGAATCGAGAAGAGGAAACATCTGCGGAAGAAAGA-3'

ClinVar aggregate classification (germline): Pathogenic (1 of 4 stars; one submission).

Submission:

Labcorp Genetics (formerly Invitae), Labcorp
Classification: Pathogenic. Last evaluated: 2024-10-12. Review status: criteria provided, single submitter. Criteria: Invitae Variant Classification Sherloc (09022015). Collection method: clinical testing. Allele origin: germline.
Comment: This sequence change creates a premature translational stop signal (p.Gln1360Lysfs*21) in the EYS gene. It is expected to result in an absent or disrupted protein product. Loss-of-function variants in EYS are known to be pathogenic (PMID: 18836446, 20333770). This variant is not present in population databases (gnomAD no frequency). This variant has not been reported in the literature in individuals affected with EYS-related conditions. For these reasons, this variant has been classified as Pathogenic.

Literature cited by the submitters: PubMed 18836446; PubMed 20333770.